The following is an entry in ClinVar:

NM_024675.4(PALB2):c.3524A>G (p.Gln1175Arg)

Gene: PALB2 (partner and localizer of BRCA2; minus strand). Cytogenetic location: 16p12.2.
Variant type: single nucleotide variant.
Coding change: c.3524A>G on transcript NM_024675.4 (MANE Select); coding-DNA position 3524, A replaced by G.
Protein change: p.Gln1175Arg; replaces glutamine 1175 with arginine.
Molecular consequence: missense variant.
Genome position (GRCh38, 1-based): chr16:23,603,496, T>C on the plus strand (A>G on the coding strand, the complement: PALB2 is on the minus strand). VCF-style: chr16-23603496-T-C. GRCh37 (hg19) VCF-style: chr16-23614817-T-C.
Other names: short protein forms Q1175R.
Identifiers: ClinVar variation 1023494 (VCV001023494.9), dbSNP rs1966395750, ClinGen allele CA395137829.
Genomic context (GRCh38, chr16:23,603,496, plus strand): 5'-TTGTGTTTTCACTTTACCCTAACTTATGAATAGTGGTATACAAATATATTTCCATCTTTT[T>C]GTCCAGCCAGCAAATGAGAGTCTGTACCCGACCATTTCACAAAAGACCAATGTTGGTCAG-3'
Protein context (NP_078951.2, residues 1165-1185): SGTDSHLLAG[Gln1175Arg]KDGNIFVYHY

ClinVar aggregate classification (germline): Uncertain significance (1 of 4 stars; one submission).

Conditions:
Familial cancer of breast. Also called: Hereditary breast cancer; BREAST CANCER, FAMILIAL; hereditary breast carcinoma. Identifiers: Orphanet 227535, MedGen C0346153, MONDO:0016419, OMIM 114480. Disease mechanism: loss of function.

Submission:

Labcorp Genetics (formerly Invitae), Labcorp
Classification: Uncertain significance for Familial cancer of breast. Last evaluated: 2020-08-27. Review status: criteria provided, single submitter. Criteria: Invitae Variant Classification Sherloc (09022015). Collection method: clinical testing. Allele origin: germline.
Comment: Algorithms developed to predict the effect of missense changes on protein structure and function output the following: SIFT: "Tolerated"; PolyPhen-2: "Possibly Damaging"; Align-GVGD: "Class C0". The arginine amino acid residue is found in multiple mammalian species, suggesting that this missense change does not adversely affect protein function. These predictions have not been confirmed by published functional studies and their clinical significance is uncertain. This variant has not been reported in the literature in individuals with PALB2-related conditions. In summary, the available evidence is currently insufficient to determine the role of this variant in disease. Therefore, it has been classified as a Variant of Uncertain Significance. This variant is not present in population databases (ExAC no frequency). This sequence change replaces glutamine with arginine at codon 1175 of the PALB2 protein (p.Gln1175Arg). The glutamine residue is highly conserved and there is a small physicochemical difference between glutamine and arginine.